The following is an entry in ClinVar:

NM_001171613.2(PREPL):c.1766C>T (p.Pro589Leu)

Genes: PREPL (prolyl endopeptidase like; minus strand), SLC3A1 (solute carrier family 3 member 1; plus strand). Cytogenetic location: 2p21.
Variant type: single nucleotide variant.
Coding change: c.1766C>T on transcript NM_001171613.2 (MANE Select); coding-DNA position 1766, C replaced by T.
Protein change: p.Pro589Leu; replaces proline 589 with leucine.
Molecular consequence: missense variant.
Genome position (GRCh38, 1-based): chr2:44,321,888, G>A on the plus strand (C>T on the coding strand, the complement: PREPL is on the minus strand). VCF-style: chr2-44321888-G-A. GRCh37 (hg19) VCF-style: chr2-44549027-G-A.
Other names: c.1847C>T, p.Pro616Leu (NM_001042385.2); c.1835C>T, p.Pro612Leu (NM_001042386.2); c.2033C>T, p.Pro678Leu (NM_001171603.1, NM_001171606.2, NM_001374275.1 and 2 more transcripts); c.1766C>T, p.Pro589Leu (NM_001171617.1, NM_001374277.1); short protein forms P616L, P678L, P589L, P612L.
Identifiers: ClinVar variation 4718980 (VCV004718980.1).

ClinVar aggregate classification (germline): Uncertain significance (1 of 4 stars; one submission).

Conditions:
Myasthenic syndrome, congenital, 22 (CMS22). Also called: PREPL DEFICIENCY. Identifiers: MedGen C4479088, MONDO:0044299, OMIM 616224.

gnomAD v4.1: 1 of 1,613,214 alleles (0.000062%); highest among the groups gnomAD compares: Non-Finnish European, 0.000085%; no homozygotes.

Submission:

Labcorp Genetics (formerly Invitae), Labcorp
Classification: Uncertain significance for Myasthenic syndrome, congenital, 22. Last evaluated: 2025-07-30. Review status: criteria provided, single submitter. Criteria: Invitae Variant Classification Sherloc (09022015). Collection method: clinical testing. Allele origin: germline.
Comment: This sequence change replaces proline, which is neutral and non-polar, with leucine, which is neutral and non-polar, at codon 678 of the PREPL protein (p.Pro678Leu). This variant is present in population databases (no rsID available, gnomAD 0.0009%). This variant has not been reported in the literature in individuals affected with PREPL-related conditions. Invitae Evidence Modeling of protein sequence and biophysical properties (such as structural, functional, and spatial information, amino acid conservation, physicochemical variation, residue mobility, and thermodynamic stability) indicates that this missense variant is not expected to disrupt PREPL protein function with a negative predictive value of 80%. In summary, the available evidence is currently insufficient to determine the role of this variant in disease. Therefore, it has been classified as a Variant of Uncertain Significance.